The following is an entry in ClinVar:

ClinVar aggregate classification (germline): Likely benign (1 of 4 stars; one submission).

Allele frequency attached by ClinVar (database versions not stated): TOPMed below 0.00001; gnomAD exomes 0.00001.

Submission:

CeGaT Center for Human Genetics Tuebingen
Classification: Likely benign. Last evaluated: 2023-04-01. Review status: criteria provided, single submitter. Criteria: CeGaT Center For Human Genetics Tuebingen Variant Classification Criteria Version 2. Collection method: clinical testing. Allele origin: germline. Affected: yes. Observed: 1 variant allele.
Comment: PIEZO1: PM2:Supporting, BP4, BP7

NM_001142864.4(PIEZO1):c.1086C>T (p.Pro362=)

Genes: PIEZO1 (piezo type mechanosensitive ion channel component 1 (Er blood group); minus strand), HSALR1 (HSP90AB1 associated lncRNA 1; plus strand). Cytogenetic location: 16q24.3.
Variant type: single nucleotide variant.
Coding change: c.1086C>T on transcript NM_001142864.4 (MANE Select); coding-DNA position 1086, C replaced by T.
Protein change: p.Pro362=; no amino-acid change (proline 362 retained).
Molecular consequence: synonymous variant.
Genome position (GRCh38, 1-based): chr16:88,737,749, G>A on the plus strand (C>T on the coding strand, the complement: PIEZO1 is on the minus strand). VCF-style: chr16-88737749-G-A. GRCh37 (hg19) VCF-style: chr16-88804157-G-A.
Identifiers: ClinVar variation 2647003 (VCV002647003.24), dbSNP rs1905334494, ClinGen allele CA497368169.